The following is an entry in ClinVar:

NM_002691.4(POLD1):c.620C>G (p.Ser207Cys)

Gene: POLD1 (DNA polymerase delta 1, catalytic subunit; plus strand). Cytogenetic location: 19q13.33.
Variant type: single nucleotide variant.
Coding change: c.620C>G on transcript NM_002691.4 (MANE Select); coding-DNA position 620, C replaced by G.
Protein change: p.Ser207Cys; replaces serine 207 with cysteine.
Molecular consequence: missense variant. On other transcripts: non-coding transcript variant (1).
Genome position (GRCh38, 1-based): chr19:50,402,235, C>G. VCF-style: chr19-50402235-C-G. GRCh37 (hg19) VCF-style: chr19-50905492-C-G.
Other names: c.620C>G, p.Ser207Cys (NM_001256849.1, NM_001308632.1); short protein forms S207C.
Identifiers: ClinVar variation 839739 (VCV000839739.9), dbSNP rs2038674007, ClinGen allele CA406973934.

ClinVar aggregate classification (germline): Uncertain significance (1 of 4 stars; one submission).

Conditions:
POLD1-related polyposis and colorectal cancer syndrome (CRCS10). Also called: Colorectal cancer 10; COLORECTAL CANCER, SUSCEPTIBILITY TO, ON CHROMOSOME 19q; Colorectal cancer, susceptibility to, 10. Identifiers: Orphanet 220460, MedGen C2675481, MONDO:0012953, OMIM 612591.

gnomAD v4.1: 1 of 1,592,280 alleles (0.000063%); highest among the groups gnomAD compares: South Asian, 0.0011%; no homozygotes.

Submission:

Labcorp Genetics (formerly Invitae), Labcorp
Classification: Uncertain significance for POLD1-related polyposis and colorectal cancer syndrome. Last evaluated: 2021-03-18. Review status: criteria provided, single submitter. Criteria: Invitae Variant Classification Sherloc (09022015). Collection method: clinical testing. Allele origin: germline.
Comment: This variant is not present in population databases (ExAC no frequency). This sequence change replaces serine with cysteine at codon 207 of the POLD1 protein (p.Ser207Cys). The serine residue is weakly conserved and there is a moderate physicochemical difference between serine and cysteine. This variant has not been reported in the literature in individuals with POLD1-related conditions. In summary, the available evidence is currently insufficient to determine the role of this variant in disease. Therefore, it has been classified as a Variant of Uncertain Significance. Algorithms developed to predict the effect of missense changes on protein structure and function are either unavailable or do not agree on the potential impact of this missense change (SIFT: "Tolerated"; PolyPhen-2: "Possibly Damaging"; Align-GVGD: "Class C0").